The following is an entry in ClinVar:

ClinVar aggregate classification (germline): Uncertain significance (1 of 4 stars; one submission).

Conditions:
Myofibrillar myopathy 6. Identifiers: Orphanet 199340, MedGen C2751831, MONDO:0013061, OMIM 612954.
Dilated cardiomyopathy 1HH (CMD1HH). Identifiers: Orphanet 154, MedGen C3151293, MONDO:0013479, OMIM 613881.

Submission:

Labcorp Genetics (formerly Invitae), Labcorp
Classification: Uncertain significance for Dilated cardiomyopathy 1HH; Myofibrillar myopathy 6. Last evaluated: 2024-12-16. Review status: criteria provided, single submitter. Criteria: Invitae Variant Classification Sherloc (09022015). Collection method: clinical testing. Allele origin: germline.
Comment: This sequence change replaces asparagine, which is neutral and polar, with serine, which is neutral and polar, at codon 441 of the BAG3 protein (p.Asn441Ser). This variant is not present in population databases (gnomAD no frequency). This variant has not been reported in the literature in individuals affected with BAG3-related conditions. Invitae Evidence Modeling of protein sequence and biophysical properties (such as structural, functional, and spatial information, amino acid conservation, physicochemical variation, residue mobility, and thermodynamic stability) indicates that this missense variant is not expected to disrupt BAG3 protein function with a negative predictive value of 80%. In summary, the available evidence is currently insufficient to determine the role of this variant in disease. Therefore, it has been classified as a Variant of Uncertain Significance.

NM_004281.4(BAG3):c.1322A>G (p.Asn441Ser)

Gene: BAG3 (BAG cochaperone 3; plus strand). Cytogenetic location: 10q26.11.
Variant type: single nucleotide variant.
Coding change: c.1322A>G on transcript NM_004281.4 (MANE Select); coding-DNA position 1322, A replaced by G.
Protein change: p.Asn441Ser; replaces asparagine 441 with serine.
Molecular consequence: missense variant.
Genome position (GRCh38, 1-based): chr10:119,676,876, A>G. VCF-style: chr10-119676876-A-G. GRCh37 (hg19) VCF-style: chr10-121436388-A-G.
Other names: short protein forms N441S.
Identifiers: ClinVar variation 3757419 (VCV003757419.2).